The following is an entry in ClinVar:

ClinVar aggregate classification (germline): Benign/Likely benign. Review status: criteria provided, multiple submitters, no conflicts (2 of 4 stars). 6 submissions from 6 submitters: Benign (3); Likely benign (2). 1 of the submissions does not count toward it. Last evaluated 2026-02-04.

Conditions:
EFL1-related disorder. Also called: EFL1-related condition.

Allele frequency attached by ClinVar (database versions not stated): 1000 Genomes Project 0.05711; 1000 Genomes Project 30x 0.05887; ESP Exome Variant Server 0.06311; gnomAD 0.06739 and 0.07087; TOPMed 0.07324.
gnomAD v4.1: 73,732 of 1,607,546 alleles (4.6%); highest among the groups gnomAD compares: African/African-American, 13%; 2,320 homozygotes.

Submissions (6):

Labcorp Genetics (formerly Invitae), Labcorp
Classification: Benign. Last evaluated: 2026-02-04. Review status: criteria provided, single submitter. Criteria: Invitae Variant Classification Sherloc (09022015). Collection method: clinical testing. Allele origin: germline.

Women's Health and Genetics/Laboratory Corporation of America, LabCorp
Classification: Likely benign. Last evaluated: 2026-01-21. Review status: criteria provided, single submitter. Criteria: LabCorp Variant Classification Summary - May 2015. Collection method: clinical testing. Allele origin: germline.

Blueprint Genetics
Classification: Likely benign. Last evaluated: 2024-11-27. Review status: criteria provided, single submitter. Criteria: ACMG Guidelines, 2015. Collection method: clinical testing. Allele origin: germline.

Mayo Clinic Laboratories, Mayo Clinic
Classification: Benign. Last evaluated: 2022-09-06. Review status: criteria provided, single submitter. Criteria: ACMG Guidelines, 2015. Collection method: clinical testing. Allele origin: germline. Observed: 78 variant alleles.

Breakthrough Genomics
Classification: Benign. Review status: criteria provided, single submitter. Criteria: ACMG Guidelines, 2015. Collection method: not provided. Allele origin: germline. Inheritance: Autosomal recessive inheritance. Affected: yes.

PreventionGenetics, part of Exact Sciences
Classification: Benign for EFL1-related condition. Last evaluated: 2019-12-03. Review status: no assertion criteria provided. Collection method: clinical testing. Allele origin: germline. Not counted in ClinVar's aggregate classification.
Comment: This variant is classified as benign based on ACMG/AMP sequence variant interpretation guidelines (Richards et al. 2015 PMID: 25741868, with internal and published modifications).

NM_024580.6(EFL1):c.2971G>A (p.Ala991Thr)

Gene: EFL1 (elongation factor like GTPase 1; minus strand). Cytogenetic location: 15q25.2.
Variant type: single nucleotide variant.
Coding change: c.2971G>A on transcript NM_024580.6 (MANE Select); coding-DNA position 2971, G replaced by A.
Protein change: p.Ala991Thr; replaces alanine 991 with threonine.
Molecular consequence: missense variant. On other transcripts: non-coding transcript variant (1).
Genome position (GRCh38, 1-based): chr15:82,151,483, C>T on the plus strand (G>A on the coding strand, the complement: EFL1 is on the minus strand). VCF-style: chr15-82151483-C-T. GRCh37 (hg19) VCF-style: chr15-82443824-C-T.
Other names: p.Ala991Thr; c.2818G>A, p.Ala940Thr (NM_001040610.3); c.2182G>A, p.Ala728Thr (NM_001322844.2); c.2971G>A, p.Ala991Thr (NM_001322845.2); c.2971G>A (NM_024580.5); short protein forms A728T, A940T, A991T.
Identifiers: ClinVar variation 1165403 (VCV001165403.15), dbSNP rs78664413, ClinGen allele CA7697664.